The following is an entry in ClinVar:

NM_000094.4(COL7A1):c.8679C>G (p.Tyr2893Ter)

Gene: COL7A1 (collagen type VII alpha 1 chain; minus strand). Cytogenetic location: 3p21.31.
Variant type: single nucleotide variant.
Coding change: c.8679C>G on transcript NM_000094.4 (MANE Select); coding-DNA position 8679, C replaced by G.
Protein change: p.Tyr2893Ter; replaces tyrosine 2893 with a stop codon.
Molecular consequence: nonsense.
Genome position (GRCh38, 1-based): chr3:48,564,922, G>C on the plus strand (C>G on the coding strand, the complement: COL7A1 is on the minus strand). VCF-style: chr3-48564922-G-C. GRCh37 (hg19) VCF-style: chr3-48602355-G-C.
Other names: short protein forms Y2893*.
Identifiers: ClinVar variation 933251 (VCV000933251.6), dbSNP rs2043534139, ClinGen allele CA352633318.

ClinVar aggregate classification (germline): Pathogenic (1 of 4 stars; one submission).

Submission:

Labcorp Genetics (formerly Invitae), Labcorp
Classification: Pathogenic. Last evaluated: 2019-08-24. Review status: criteria provided, single submitter. Criteria: Invitae Variant Classification Sherloc (09022015). Collection method: clinical testing. Allele origin: germline.
Comment: For these reasons, this variant has been classified as Pathogenic. Loss-of-function variants in COL7A1 are known to be pathogenic (PMID: 16971478). Algorithms developed to predict the effect of sequence changes on RNA splicing suggest that this variant may create or strengthen a splice site, but this prediction has not been confirmed by published transcriptional studies. This variant has not been reported in the literature in individuals with COL7A1-related conditions. This variant is not present in population databases (ExAC no frequency). This sequence change creates a premature translational stop signal (p.Tyr2893*) in the COL7A1 gene. It is expected to result in an absent or disrupted protein product.

Literature cited by the submitters: PubMed 16971478.